The following is an entry in ClinVar:

ClinVar aggregate classification (germline): Uncertain significance. Review status: criteria provided, multiple submitters, no conflicts (2 of 4 stars). 2 submissions from 2 submitters: Uncertain significance (2). Last evaluated 2025-11-25.

Conditions:
Inborn genetic diseases. Identifiers: MedGen C0950123, MeSH D030342.
Schuurs-Hoeijmakers syndrome. Also called: PACS1-Related Neurodevelopmental Disorder. Identifiers: Orphanet 329224, MedGen C3554343, MONDO:0014006, OMIM 615009.

Submissions (2):

Labcorp Genetics (formerly Invitae), Labcorp
Classification: Uncertain significance for Schuurs-Hoeijmakers syndrome. Last evaluated: 2025-11-25. Review status: criteria provided, single submitter. Criteria: Invitae Variant Classification Sherloc (09022015). Collection method: clinical testing. Allele origin: germline.
Comment: This sequence change replaces serine, which is neutral and polar, with leucine, which is neutral and non-polar, at codon 558 of the PACS1 protein (p.Ser558Leu). This variant is not present in population databases (gnomAD no frequency). This variant has not been reported in the literature in individuals affected with PACS1-related conditions. ClinVar contains an entry for this variant (Variation ID: 4129989). Invitae Evidence Modeling of protein sequence and biophysical properties (such as structural, functional, and spatial information, amino acid conservation, physicochemical variation, residue mobility, and thermodynamic stability) indicates that this missense variant is expected to disrupt PACS1 protein function with a positive predictive value of 80%. In summary, the available evidence is currently insufficient to determine the role of this variant in disease. Therefore, it has been classified as a Variant of Uncertain Significance.

Ambry Genetics
Classification: Uncertain significance for Inborn genetic diseases. Last evaluated: 2025-09-01. Review status: criteria provided, single submitter. Criteria: Ambry Variant Classification Scheme 2023. Collection method: clinical testing. Allele origin: germline.

NM_018026.4(PACS1):c.1673C>T (p.Ser558Leu)

Gene: PACS1 (phosphofurin acidic cluster sorting protein 1; plus strand). Cytogenetic location: 11q13.2.
Variant type: single nucleotide variant.
Coding change: c.1673C>T on transcript NM_018026.4 (MANE Select); coding-DNA position 1673, C replaced by T.
Protein change: p.Ser558Leu; replaces serine 558 with leucine.
Molecular consequence: missense variant.
Genome position (GRCh38, 1-based): chr11:66,232,218, C>T. VCF-style: chr11-66232218-C-T. GRCh37 (hg19) VCF-style: chr11-65999689-C-T.
Other names: short protein forms S558L.
Identifiers: ClinVar variation 4129989 (VCV004129989.2).
Genomic context (GRCh38, chr11:66,232,218, plus strand): 5'-TTTTGTTCCTGCAGATTCCAAGAAAGGTGGTGTATGACCAGCTCAATCAGATCCTGGTGT[C>T]AGATGCAGCCCTCCCAGAAAATGTCATTCTGGTGAACACCACTGACTGGCAGGGCCAGGT-3'
Protein context (NP_060496.2, residues 548-568): VYDQLNQILV[Ser558Leu]DAALPENVIL